The following is an entry in ClinVar:

NM_001378183.1(PIEZO2):c.1114G>A (p.Ala372Thr)

Gene: PIEZO2 (piezo type mechanosensitive ion channel component 2; minus strand). Cytogenetic location: 18p11.22.
Variant type: single nucleotide variant.
Coding change: c.1114G>A on transcript NM_001378183.1 (MANE Select); coding-DNA position 1114, G replaced by A.
Protein change: p.Ala372Thr; replaces alanine 372 with threonine.
Molecular consequence: missense variant.
Genome position (GRCh38, 1-based): chr18:10,803,961, C>T on the plus strand (G>A on the coding strand, the complement: PIEZO2 is on the minus strand). VCF-style: chr18-10803961-C-T. GRCh37 (hg19) VCF-style: chr18-10803959-C-T.
Other names: c.1114G>A, p.Ala372Thr (NM_001410871.1, NM_022068.4); short protein forms A372T.
Identifiers: ClinVar variation 4280840 (VCV004280840.7).

ClinVar aggregate classification (germline): Uncertain significance (1 of 4 stars; one submission).

Submission:

CeGaT Center for Human Genetics Tuebingen
Classification: Uncertain significance. Last evaluated: 2025-09-01. Review status: criteria provided, single submitter. Criteria: CeGaT Center For Human Genetics Tuebingen Variant Classification Criteria Version 2. Collection method: clinical testing. Allele origin: germline. Affected: yes. Observed: 1 variant allele.
Comment: PIEZO2: PM2, BP4